The following is an entry in ClinVar:

ClinVar aggregate classification (germline): Uncertain significance. Review status: criteria provided, multiple submitters, no conflicts (2 of 4 stars). 2 submissions from 2 submitters: Uncertain significance (2). Last evaluated 2025-02-26.

Conditions:
Cardiovascular phenotype. Identifiers: MedGen CN230736.
RASopathy. Also called: Noonan spectrum disorder; rasopathies. Identifiers: Orphanet 536391, MedGen C5555857, MONDO:0021060.

gnomAD v4.1: 2 of 1,614,078 alleles (0.00012%); highest among the groups gnomAD compares: Admixed American, 0.0033%; no homozygotes.

Submissions (2):

Ambry Genetics
Classification: Uncertain significance for Cardiovascular phenotype. Last evaluated: 2025-02-26. Review status: criteria provided, single submitter. Criteria: Ambry Variant Classification Scheme 2023. Collection method: clinical testing. Allele origin: germline.
Comment: The p.V781L variant (also known as c.2341G>C), located in coding exon 15 of the CBL gene, results from a G to C substitution at nucleotide position 2341. The valine at codon 781 is replaced by leucine, an amino acid with highly similar properties. This amino acid position is conserved. In addition, this alteration is predicted to be tolerated by in silico analysis. Based on the available evidence, the clinical significance of this variant remains unclear.

Labcorp Genetics (formerly Invitae), Labcorp
Classification: Uncertain significance for RASopathy. Last evaluated: 2023-11-02. Review status: criteria provided, single submitter. Criteria: Invitae Variant Classification Sherloc (09022015). Collection method: clinical testing. Allele origin: germline.
Comment: This sequence change replaces valine, which is neutral and non-polar, with leucine, which is neutral and non-polar, at codon 781 of the CBL protein (p.Val781Leu). This variant is present in population databases (no rsID available, gnomAD 0.1%). This variant has not been reported in the literature in individuals affected with CBL-related conditions. Advanced modeling of protein sequence and biophysical properties (such as structural, functional, and spatial information, amino acid conservation, physicochemical variation, residue mobility, and thermodynamic stability) performed at Invitae indicates that this missense variant is not expected to disrupt CBL protein function with a negative predictive value of 95%. In summary, the available evidence is currently insufficient to determine the role of this variant in disease. Therefore, it has been classified as a Variant of Uncertain Significance.

NM_005188.4(CBL):c.2341G>C (p.Val781Leu)

Gene: CBL (Cbl proto-oncogene; plus strand). Cytogenetic location: 11q23.3.
Variant type: single nucleotide variant.
Coding change: c.2341G>C on transcript NM_005188.4 (MANE Select); coding-DNA position 2341, G replaced by C.
Protein change: p.Val781Leu; replaces valine 781 with leucine.
Molecular consequence: missense variant.
Genome position (GRCh38, 1-based): chr11:119,298,447, G>C. VCF-style: chr11-119298447-G-C. GRCh37 (hg19) VCF-style: chr11-119169157-G-C.
Other names: c.2341G>C (NM_005188.2); short protein forms V781L.
Identifiers: ClinVar variation 2724762 (VCV002724762.4), dbSNP rs1343017768, ClinGen allele CA382929543.